The following is an entry in ClinVar:

NM_001085411.3(NADK2):c.283G>T (p.Glu95Ter)

Genes: NADK2 (NAD kinase 2, mitochondrial; minus strand), LOC129993801 (ATAC-STARR-seq lymphoblastoid silent region 15972; plus strand). Cytogenetic location: 5p13.2.
Variant type: single nucleotide variant.
Coding change: c.283G>T on transcript NM_001085411.3 (MANE Select); coding-DNA position 283, G replaced by T.
Protein change: p.Glu95Ter; replaces glutamic acid 95 with a stop codon.
Molecular consequence: nonsense. On other transcripts: intron variant (2).
Genome position (GRCh38, 1-based): chr5:36,241,516, C>A on the plus strand (G>T on the coding strand, the complement: NADK2 is on the minus strand). VCF-style: chr5-36241516-C-A. GRCh37 (hg19) VCF-style: chr5-36241618-C-A.
Other names: c.-190+580G>T (NM_153013.5, NM_001287341.2); short protein forms E95*.
Identifiers: ClinVar variation 1011392 (VCV001011392.2), dbSNP rs1306181023, ClinGen allele CA359447489.

ClinVar aggregate classification (germline): Uncertain significance (1 of 4 stars; one submission).

Conditions:
Progressive encephalopathy with leukodystrophy due to DECR deficiency. Identifiers: Orphanet 431361, MedGen C1857252, MONDO:0014464, OMIM 616034.

Allele frequency attached by ClinVar (database versions not stated): gnomAD exomes below 0.00001.
gnomAD v4.1: 1 of 1,563,542 alleles (0.000064%); highest among the groups gnomAD compares: East Asian, 0.0024%; no homozygotes.

Submission:

Labcorp Genetics (formerly Invitae), Labcorp
Classification: Uncertain significance for Progressive encephalopathy with leukodystrophy due to DECR deficiency. Last evaluated: 2020-07-16. Review status: criteria provided, single submitter. Criteria: Invitae Variant Classification Sherloc (09022015). Collection method: clinical testing. Allele origin: germline.
Comment: This sequence change creates a premature translational stop signal (p.Glu95*) in the NADK2 gene. It is expected to result in an absent or disrupted protein product. This variant is not present in population databases (ExAC no frequency). This variant has not been reported in the literature in individuals with NADK2-related conditions. The current clinical and genetic evidence is not sufficient to establish whether loss-of-function variants in NADK2 cause disease. In summary, the available evidence is currently insufficient to determine the role of this variant in disease. Therefore, it has been classified as a Variant of Uncertain Significance.